The following is an entry in ClinVar:

ClinVar aggregate classification (germline): Likely benign. Review status: criteria provided, multiple submitters, no conflicts (2 of 4 stars). 2 submissions from 2 submitters: Likely benign (2). Last evaluated 2018-06-14.

Allele frequency attached by ClinVar (database versions not stated): 1000 Genomes Project 30x 0.01202; 1000 Genomes Project 0.01218; ESP Exome Variant Server 0.01419; TOPMed 0.01770; ExAC 0.01907; gnomAD exomes 0.01918 and 0.02310; gnomAD 0.01956 and 0.01994.
gnomAD v4.1: 14,757 of 664,322 alleles (2.2%); highest among the groups gnomAD compares: Non-Finnish European, 2.9%; 208 homozygotes.

Submissions (2):

GeneDx
Classification: Likely benign. Last evaluated: 2018-06-14. Review status: criteria provided, single submitter. Criteria: GeneDx Variant Classification (06012015). Collection method: clinical testing. Allele origin: germline. Affected: yes.
Comment: This variant is considered likely benign or benign based on one or more of the following criteria: it is a conservative change, it occurs at a poorly conserved position in the protein, it is predicted to be benign by multiple in silico algorithms, and/or has population frequency not consistent with disease.

Breakthrough Genomics
Classification: Likely benign. Review status: criteria provided, single submitter. Criteria: ACMG Guidelines, 2015. Collection method: not provided. Allele origin: germline. Inheritance: Autosomal recessive inheritance. Affected: yes.

NM_000090.4(COL3A1):c.3039+193T>C

Gene: COL3A1 (collagen type III alpha 1 chain; plus strand). Cytogenetic location: 2q32.2.
Variant type: single nucleotide variant.
Coding change: c.3039+193T>C on transcript NM_000090.4 (MANE Select); 193 bases into the intron after coding-DNA position 3039, T replaced by C.
Molecular consequence: intron variant.
Genome position (GRCh38, 1-based): chr2:189,005,650, T>C. VCF-style: chr2-189005650-T-C. GRCh37 (hg19) VCF-style: chr2-189870376-T-C.
Identifiers: ClinVar variation 675298 (VCV000675298.2), dbSNP rs28763879, ClinGen allele CA075788.